The following is an entry in ClinVar:

NM_020433.5(JPH2):c.1289-7C>T

Gene: JPH2 (junctophilin 2; minus strand). Cytogenetic location: 20q13.12.
Variant type: single nucleotide variant.
Coding change: c.1289-7C>T on transcript NM_020433.5 (MANE Select); 7 bases into the intron before coding-DNA position 1289, C replaced by T.
Molecular consequence: intron variant.
Genome position (GRCh38, 1-based): chr20:44,116,393, G>A on the plus strand (C>T on the coding strand, the complement: JPH2 is on the minus strand). VCF-style: chr20-44116393-G-A. GRCh37 (hg19) VCF-style: chr20-42745033-G-A.
Other names: p.?.
Identifiers: ClinVar variation 137608 (VCV000137608.41), dbSNP rs116986535, ClinGen allele CA333095.

ClinVar aggregate classification (germline): Benign/Likely benign. Review status: criteria provided, multiple submitters, no conflicts (2 of 4 stars). 14 submissions from 14 submitters: Benign (9); Likely benign (2). 3 of the submissions do not count toward it. Last evaluated 2026-02-03.

Conditions:
Hypertrophic cardiomyopathy 17. Identifiers: MedGen C3151264, MONDO:0013474, OMIM 613873.
Hypertrophic cardiomyopathy. Also called: HYPERTROPHIC MYOCARDIOPATHY. Identifiers: Orphanet 217569, MedGen C0007194, MeSH D002312, MONDO:0005045, HP:0001639.

Allele frequency attached by ClinVar (database versions not stated): 1000 Genomes Project 0.00739; ExAC 0.01251; gnomAD exomes 0.01894 and 0.02671; gnomAD 0.02048 and 0.02105; TOPMed 0.01914; 1000 Genomes Project 30x 0.00687.
gnomAD v4.1: 40,014 of 1,546,950 alleles (2.6%); highest among the groups gnomAD compares: Non-Finnish European, 3%; 631 homozygotes.

Submissions (14):

Labcorp Genetics (formerly Invitae), Labcorp
Classification: Benign for Hypertrophic cardiomyopathy. Last evaluated: 2026-02-03. Review status: criteria provided, single submitter. Criteria: Invitae Variant Classification Sherloc (09022015). Collection method: clinical testing. Allele origin: germline.

ARUP Laboratories, Molecular Genetics and Genomics, ARUP Laboratories
Classification: Benign. Last evaluated: 2025-05-26. Review status: criteria provided, single submitter. Criteria: ARUP Molecular Germline Variant Investigation Process 2024. Collection method: clinical testing. Allele origin: germline.

Molecular Diagnostic Laboratory for Inherited Cardiovascular Disease, Montreal Heart Institute
Classification: Likely benign. Last evaluated: 2025-04-09. Review status: criteria provided, single submitter. Criteria: ACMG Guidelines, 2015. Collection method: clinical testing. Allele origin: germline. Affected: no.

Blueprint Genetics
Classification: Likely benign. Last evaluated: 2024-11-27. Review status: criteria provided, single submitter. Criteria: ACMG Guidelines, 2015. Collection method: clinical testing. Allele origin: germline.

Mayo Clinic Laboratories, Mayo Clinic
Classification: Benign. Last evaluated: 2023-02-03. Review status: criteria provided, single submitter. Criteria: ACMG Guidelines, 2015. Collection method: clinical testing. Allele origin: germline. Observed: 38 variant alleles.
Comment: BS1, BS2, BP4, BP7

Genome Diagnostics Laboratory, University Medical Center Utrecht
Classification: Benign for Hypertrophic cardiomyopathy 17. Last evaluated: 2016-10-04. Review status: criteria provided, single submitter. Criteria: ACGS Guidelines, 2013. Collection method: clinical testing. Allele origin: germline. Affected: yes. Study: VKGL Data-share Consensus.

Clinical Genetics DNA and cytogenetics Diagnostics Lab, Erasmus MC, Erasmus Medical Center
Classification: Benign for Hypertrophic cardiomyopathy 17. Last evaluated: 2015-09-21. Review status: criteria provided, single submitter. Criteria: ACGS Guidelines, 2013. Collection method: clinical testing. Allele origin: germline. Affected: yes. Study: VKGL Data-share Consensus.

Eurofins Ntd Llc (ga)
Classification: Benign. Last evaluated: 2015-08-10. Review status: criteria provided, single submitter. Criteria: EGL Classification Definitions 2015. Collection method: clinical testing. Allele origin: germline. Observed: 1 variant allele, 1 heterozygote.

Laboratory for Molecular Medicine, Mass General Brigham Personalized Medicine
Classification: Benign. Last evaluated: 2014-11-24. Review status: criteria provided, single submitter. Criteria: LMM Criteria. Collection method: clinical testing. Allele origin: germline. Observed: 23 variant alleles.
Comment: 1289-7C>T in intron 3 of JPH2: This variant is not expected to have clinical sig nificance because it has been identified in 3.8% (7/186) of Finnish chromosomes from a broad population by the 1000 Genomes Project (/projects/SNP; dbSNP rs116986535).

GeneDx
Classification: Benign. Last evaluated: 2014-03-10. Review status: criteria provided, single submitter. Criteria: GeneDx Variant Classification (06012015). Collection method: clinical testing. Allele origin: germline. Affected: yes.
Comment: This variant is considered likely benign or benign based on one or more of the following criteria: it is a conservative change, it occurs at a poorly conserved position in the protein, it is predicted to be benign by multiple in silico algorithms, and/or has population frequency not consistent with disease.

Breakthrough Genomics
Classification: Benign. Review status: criteria provided, single submitter. Criteria: ACMG Guidelines, 2015. Collection method: not provided. Allele origin: germline. Inheritance: Autosomal recessive inheritance. Affected: yes.

Clinical Genetics, Academic Medical Center
Classification: Benign. Review status: no assertion criteria provided. Collection method: clinical testing. Allele origin: germline. Affected: yes. Study: VKGL Data-share Consensus. Not counted in ClinVar's aggregate classification.

Joint Genome Diagnostic Labs from Nijmegen and Maastricht, Radboudumc and MUMC+
Classification: Benign. Review status: no assertion criteria provided. Collection method: clinical testing. Allele origin: germline. Affected: yes. Study: VKGL Data-share Consensus. Not counted in ClinVar's aggregate classification.

Laboratory of Diagnostic Genome Analysis, Leiden University Medical Center (LUMC)
Classification: Likely benign. Review status: no assertion criteria provided. Collection method: clinical testing. Allele origin: germline. Affected: yes. Study: VKGL Data-share Consensus. Not counted in ClinVar's aggregate classification.